The following is an entry in ClinVar:

ClinVar aggregate classification (germline): Uncertain significance (1 of 4 stars; one submission).

Conditions:
FGFR2-related craniosynostosis. Identifiers: MedGen CN231480.

Allele frequency attached by ClinVar (database versions not stated): ExAC 0.00001; gnomAD exomes 0.00001.
gnomAD v4.1: 16 of 1,614,216 alleles (0.00099%); highest among the groups gnomAD compares: Non-Finnish European, 0.0014%; no homozygotes.

Submission:

Labcorp Genetics (formerly Invitae), Labcorp
Classification: Uncertain significance for FGFR2-related craniosynostosis. Last evaluated: 2023-06-20. Review status: criteria provided, single submitter. Criteria: Invitae Variant Classification Sherloc (09022015). Collection method: clinical testing. Allele origin: germline.
Comment: This sequence change replaces arginine, which is basic and polar, with lysine, which is basic and polar, at codon 100 of the FGFR2 protein (p.Arg100Lys). In summary, the available evidence is currently insufficient to determine the role of this variant in disease. Therefore, it has been classified as a Variant of Uncertain Significance. Advanced modeling of protein sequence and biophysical properties (such as structural, functional, and spatial information, amino acid conservation, physicochemical variation, residue mobility, and thermodynamic stability) has been performed at Invitae for this missense variant, however the output from this modeling did not meet the statistical confidence thresholds required to predict the impact of this variant on FGFR2 protein function. This variant has not been reported in the literature in individuals affected with FGFR2-related conditions. This variant is present in population databases (rs774193926, gnomAD 0.0009%).

NM_000141.5(FGFR2):c.299G>A (p.Arg100Lys)

Gene: FGFR2 (fibroblast growth factor receptor 2; minus strand). Cytogenetic location: 10q26.13.
Variant type: single nucleotide variant.
Coding change: c.299G>A on transcript NM_000141.5 (MANE Select); coding-DNA position 299, G replaced by A.
Protein change: p.Arg100Lys; replaces arginine 100 with lysine.
Molecular consequence: missense variant. On other transcripts: intron variant (9).
Genome position (GRCh38, 1-based): chr10:121,565,515, C>T on the plus strand (G>A on the coding strand, the complement: FGFR2 is on the minus strand). VCF-style: chr10-121565515-C-T. GRCh37 (hg19) VCF-style: chr10-123325029-C-T.
Other names: c.110-936G>A (NM_023029.3, NM_001441088.1, NM_001144915.2 and 2 more transcripts); c.110-14056G>A (NM_001144916.2, NM_001144918.2, NM_001441091.1 and 1 more transcripts); c.299G>A, p.Arg100Lys (NM_001144913.1, NM_001144914.1, NM_001144917.2 and 3 more transcripts); short protein forms R100K.
Identifiers: ClinVar variation 2747251 (VCV002747251.1), dbSNP rs774193926, ClinGen allele CA5721180.